The following is an entry in ClinVar:

NM_005902.4(SMAD3):c.110_115del (p.Ser37_Val39delinsIle)

Gene: SMAD3 (SMAD family member 3; plus strand). Cytogenetic location: 15q22.33.
Variant type: Deletion.
Coding change: c.110_115del on transcript NM_005902.4 (MANE Select); coding-DNA positions 110 to 115, 6 bases deleted (GCCTGG; older notation c.110_115delGCCTGG).
Protein change: p.Ser37_Val39delinsIle.
Molecular consequence: inframe indel.
Genome position (GRCh38, 1-based): chr15:67,066,264-67,066,269, GCCTGG deleted. VCF-style (leftmost placement, unchanged base first): chr15-67066263-AGCCTGG-A. GRCh37 (hg19) VCF-style: chr15-67358601-AGCCTGG-A.
Other names: c.110_115delGCCTGG (NM_005902.3); c.110_115del6 (NM_005902.3).
Identifiers: ClinVar variation 213806 (VCV000213806.17), dbSNP rs863223769, ClinGen allele CA319759.

ClinVar aggregate classification (germline): Conflicting classifications of pathogenicity. Review status: criteria provided, conflicting classifications (1 of 4 stars). 3 submissions from 3 submitters: Likely pathogenic (1); Uncertain significance (2). Last evaluated 2026-08-04.

Conditions:
Familial thoracic aortic aneurysm and aortic dissection (TAAD). Also called: Thoracic aortic aneurysms and dissections. Identifiers: Orphanet 91387, MedGen C4707243, MONDO:0019625.

Submissions (3):

GeneDx
Classification: Likely pathogenic. Last evaluated: 2026-08-04. Review status: criteria provided, single submitter. Criteria: GeneDx Variant Classification Process June 2021. Collection method: clinical testing. Allele origin: germline.
Comment: Not observed at significant frequency in large population cohorts (gnomAD); In-frame deletion of 3 amino acids and insertion of 1 amino acid in a non-repeat region; In silico analysis supports a deleterious effect on protein structure/function; Has not been previously published as pathogenic or benign to our knowledge

Labcorp Genetics (formerly Invitae), Labcorp
Classification: Uncertain significance for Familial thoracic aortic aneurysm and aortic dissection. Last evaluated: 2022-11-10. Review status: criteria provided, single submitter. Criteria: Invitae Variant Classification Sherloc (09022015). Collection method: clinical testing. Allele origin: germline.
Comment: This variant, c.110_115del, results in the deletion of 3 amino acids of the SMAD3 protein (p.Ser37_Val39delinsIle), but otherwise preserves the integrity of the reading frame. This variant is not present in population databases (gnomAD no frequency). This variant has not been reported in the literature in individuals affected with SMAD3-related conditions. ClinVar contains an entry for this variant (Variation ID: 213806). Experimental studies and prediction algorithms are not available or were not evaluated, and the functional significance of this variant is currently unknown. In summary, the available evidence is currently insufficient to determine the role of this variant in disease. Therefore, it has been classified as a Variant of Uncertain Significance.

Mayo Clinic Laboratories, Mayo Clinic
Classification: Uncertain significance. Last evaluated: 2019-06-01. Review status: criteria provided, single submitter. Criteria: ACMG Guidelines, 2015. Collection method: clinical testing. Allele origin: germline. Observed: 1 variant allele.